The following is an entry in ClinVar:

ClinVar aggregate classification (germline): Uncertain significance. Review status: criteria provided, multiple submitters, no conflicts (2 of 4 stars). 2 submissions from 2 submitters: Uncertain significance (2). Last evaluated 2025-03-25.

Conditions:
T-B+ severe combined immunodeficiency due to JAK3 deficiency. Also called: SCID, autosomal recessive, T-negative/B-positive type; SCID, T CELL-NEGATIVE, B CELL-POSITIVE, NK CELL-NEGATIVE. Identifiers: Orphanet 35078, MedGen C1833275, MONDO:0010938, OMIM 600802.
Inborn genetic diseases. Identifiers: MedGen C0950123, MeSH D030342.

Allele frequency attached by ClinVar (database versions not stated): gnomAD exomes below 0.00001.
gnomAD v4.1: 2 of 1,614,094 alleles (0.00012%); highest among the groups gnomAD compares: Admixed American, 0.0017%; no homozygotes.

Submissions (2):

Ambry Genetics
Classification: Uncertain significance for Inborn genetic diseases. Last evaluated: 2025-03-25. Review status: criteria provided, single submitter. Criteria: Ambry Variant Classification Scheme 2023. Collection method: clinical testing. Allele origin: germline.

Labcorp Genetics (formerly Invitae), Labcorp
Classification: Uncertain significance for T-B+ severe combined immunodeficiency due to JAK3 deficiency. Last evaluated: 2024-12-03. Review status: criteria provided, single submitter. Criteria: Invitae Variant Classification Sherloc (09022015). Collection method: clinical testing. Allele origin: germline.
Comment: This sequence change replaces histidine, which is basic and polar, with tyrosine, which is neutral and polar, at codon 562 of the JAK3 protein (p.His562Tyr). This variant is present in population databases (no rsID available, gnomAD 0.003%). This variant has not been reported in the literature in individuals affected with JAK3-related conditions. ClinVar contains an entry for this variant (Variation ID: 2163940). Invitae Evidence Modeling of protein sequence and biophysical properties (such as structural, functional, and spatial information, amino acid conservation, physicochemical variation, residue mobility, and thermodynamic stability) has been performed for this missense variant. However, the output from this modeling did not meet the statistical confidence thresholds required to predict the impact of this variant on JAK3 protein function. In summary, the available evidence is currently insufficient to determine the role of this variant in disease. Therefore, it has been classified as a Variant of Uncertain Significance.

NM_000215.4(JAK3):c.1684C>T (p.His562Tyr)

Gene: JAK3 (Janus kinase 3; minus strand). Cytogenetic location: 19p13.11.
Variant type: single nucleotide variant.
Coding change: c.1684C>T on transcript NM_000215.4 (MANE Select); coding-DNA position 1684, C replaced by T.
Protein change: p.His562Tyr; replaces histidine 562 with tyrosine.
Molecular consequence: missense variant.
Genome position (GRCh38, 1-based): chr19:17,837,949, G>A on the plus strand (C>T on the coding strand, the complement: JAK3 is on the minus strand). VCF-style: chr19-17837949-G-A. GRCh37 (hg19) VCF-style: chr19-17948758-G-A.
Other names: short protein forms H562Y.
Identifiers: ClinVar variation 2163940 (VCV002163940.4), dbSNP rs1320062456, ClinGen allele CA404769315.